The following is an entry in ClinVar:

ClinVar aggregate classification (germline): Uncertain significance (1 of 4 stars; one submission).

Conditions:
Hereditary cancer-predisposing syndrome. Also called: Neoplastic Syndromes, Hereditary; Tumor predisposition; Hereditary Cancer Syndrome; Hereditary neoplastic syndrome. Identifiers: Orphanet 140162, MedGen C0027672, MeSH D009386, MONDO:0015356.

Submissions (2):

Ambry Genetics
Classification: Uncertain significance for Hereditary cancer-predisposing syndrome. Last evaluated: 2019-02-07. Review status: criteria provided, single submitter. Criteria: Ambry Variant Classification Scheme 2023. Collection method: clinical testing. Allele origin: germline.
Comment: The p.E1683K variant (also known as c.5047G>A), located in coding exon 15 of the BRCA1 gene, results from a G to A substitution at nucleotide position 5047. The glutamic acid at codon 1683 is replaced by lysine, an amino acid with similar properties. One functional study found that this nucleotide substitution is non-functional in a high-throughput, genome editing, haploid cell survival assay (Findlay GM et al. Nature, 2018 10;562:217-222). This amino acid position is well conserved in available vertebrate species. In addition, the in silico prediction for this alteration is inconclusive. Since supporting evidence is limited at this time, the clinical significance of this alteration remains unclear.

Brotman Baty Institute, University of Washington
No classification provided (evidence only). Condition: Breast-ovarian cancer, familial 1. Review status: no classification provided. Collection method: in vitro. Allele origin: not applicable. Functional consequence: functionally_abnormal. Not counted in ClinVar's aggregate classification.
ClinVar note: "not provided" was previously submitted as the classification for the variant. However, the classification appeared to be based only on an observation of functional data so it was converted to no classification on 2025-07-30.

Literature cited by the submitters: PubMed 30209399 (cited by Ambry Genetics).

NM_007294.4(BRCA1):c.5047G>A (p.Glu1683Lys)

Gene: BRCA1 (BRCA1 DNA repair associated; minus strand). Cytogenetic location: 17q21.31.
Variant type: single nucleotide variant.
Coding change: c.5047G>A on transcript NM_007294.4 (MANE Select); coding-DNA position 5047, G replaced by A.
Protein change: p.Glu1683Lys; replaces glutamic acid 1683 with lysine.
Molecular consequence: missense variant. On other transcripts: non-coding transcript variant (1).
Genome position (GRCh38, 1-based): chr17:43,067,635, C>T on the plus strand (G>A on the coding strand, the complement: BRCA1 is on the minus strand). VCF-style: chr17-43067635-C-T. GRCh37 (hg19) VCF-style: chr17-41219652-C-T.
Other names: c.4834G>A, p.Glu1612Lys (NM_001407571.1, NM_001407894.1, NM_001407895.1 and 12 more transcripts); c.5113G>A, p.Glu1705Lys (NM_001407581.1, NM_001407582.1); c.5110G>A, p.Glu1704Lys (NM_001407583.1, NM_001407585.1, NM_001407587.1 and 1 more transcripts); c.5107G>A, p.Glu1703Lys (NM_001407590.1, NM_001407591.1); c.5047G>A, p.Glu1683Lys (NM_001407593.1, NM_001407594.1, NM_001407596.1 and 8 more transcripts); c.5044G>A, p.Glu1682Lys (NM_001407610.1, NM_001407611.1, NM_001407612.1 and 17 more transcripts); c.5041G>A, p.Glu1681Lys (NM_001407627.1, NM_001407628.1, NM_001407629.1 and 14 more transcripts); c.5038G>A, p.Glu1680Lys (NM_001407644.1, NM_001407645.1); and 70 more; short protein forms E1636K, E579K, E1683K, E1704K, E1387K, E1556K, E1594K, E1613K.
Identifiers: ClinVar variation 867573 (VCV000867573.5), dbSNP rs80356879, ClinGen allele CA10591425.
Genomic context (GRCh38, chr17:43,067,635, plus strand): 5'-ATGCAAGGTATTCTGTAAAGGTTCTTGGTATACCTGTTTTCATAACAACATGAGTAGTCT[C>T]TTCAGTAATTAGATTAGTTAAAGTGATGTGGTGTTTTCTGGCAAACTTGTACACGAGCAT-3'
Protein context (NP_009225.1, residues 1673-1693): HITLTNLITE[Glu1683Lys]TTHVVMKTDA